The following is an entry in ClinVar:

NM_001164508.2(NEB):c.10587A>T (p.Lys3529Asn)

Gene: NEB (nebulin; minus strand). Cytogenetic location: 2q23.3.
Variant type: single nucleotide variant.
Coding change: c.10587A>T on transcript NM_001164508.2 (MANE Select); coding-DNA position 10587, A replaced by T.
Protein change: p.Lys3529Asn; replaces lysine 3529 with asparagine.
Molecular consequence: missense variant.
Genome position (GRCh38, 1-based): chr2:151,619,736, T>A on the plus strand (A>T on the coding strand, the complement: NEB is on the minus strand). VCF-style: chr2-151619736-T-A. GRCh37 (hg19) VCF-style: chr2-152476250-T-A.
Other names: c.10587A>T, p.Lys3529Asn (NM_001164507.2, NM_001271208.2); c.9858A>T, p.Lys3286Asn (NM_004543.5); short protein forms K3286N, K3529N.
Identifiers: ClinVar variation 3767813 (VCV003767813.1).
Genomic context (GRCh38, chr2:151,619,736, plus strand): 5'-GGACCACATTATCTTGGGGTCATCGTGTACTGCTCGGGCGCCAATGTGGTGACCCAACTG[T>A]TTACGATATGCTTCTTTGTATTTGTACTGAAAGAGAGAATCCAGTAAATAAGAAGGAAGC-3'
Protein context (NP_001157980.2, residues 3519-3539): SDYKYKEAYR[Lys3529Asn]QLGHHIGARA

ClinVar aggregate classification (germline): Uncertain significance (1 of 4 stars; one submission).

gnomAD v4.1: 9 of 1,612,296 alleles (0.00056%); highest among the groups gnomAD compares: Admixed American, 0.0033%; no homozygotes.

Submission:

GeneDx
Classification: Uncertain significance. Last evaluated: 2024-09-06. Review status: criteria provided, single submitter. Criteria: GeneDx Variant Classification Process June 2021. Collection method: clinical testing. Allele origin: germline. Affected: yes.
Comment: Not observed at significant frequency in large population cohorts (gnomAD); In silico analysis indicates that this missense variant does not alter protein structure/function; Has not been previously published as pathogenic or benign to our knowledge